The following is an entry in ClinVar:

ClinVar aggregate classification (germline): Likely benign. Review status: criteria provided, multiple submitters, no conflicts (2 of 4 stars). 3 submissions from 3 submitters: Likely benign (2). 1 of the submissions does not count toward it. Last evaluated 2025-01-06.

Conditions:
PCNT-related disorder. Also called: PCNT-related condition.

Allele frequency attached by ClinVar (database versions not stated): TOPMed below 0.00001; ExAC 0.00001; gnomAD 0.00001.
gnomAD v4.1: 15 of 1,610,376 alleles (0.00093%); highest among the groups gnomAD compares: Middle Eastern, 0.083%; no homozygotes.

Submissions (3):

Labcorp Genetics (formerly Invitae), Labcorp
Classification: Likely benign. Last evaluated: 2025-01-06. Review status: criteria provided, single submitter. Criteria: Invitae Variant Classification Sherloc (09022015). Collection method: clinical testing. Allele origin: germline.

Blueprint Genetics
Classification: Likely benign. Last evaluated: 2024-06-26. Review status: criteria provided, single submitter. Criteria: ACMG Guidelines, 2015. Collection method: clinical testing. Allele origin: germline.

PreventionGenetics, part of Exact Sciences
Classification: Likely benign for PCNT-related condition. Last evaluated: 2023-04-24. Review status: no assertion criteria provided. Collection method: clinical testing. Allele origin: germline. Not counted in ClinVar's aggregate classification.
Comment: This variant is classified as likely benign based on ACMG/AMP sequence variant interpretation guidelines (Richards et al. 2015 PMID: 25741868, with internal and published modifications).

NM_006031.6(PCNT):c.51G>C (p.Thr17=)

Gene: PCNT (pericentrin; plus strand). Cytogenetic location: 21q22.3.
Variant type: single nucleotide variant.
Coding change: c.51G>C on transcript NM_006031.6 (MANE Select); coding-DNA position 51, G replaced by C.
Protein change: p.Thr17=; no amino-acid change (threonine 17 retained).
Molecular consequence: synonymous variant.
Genome position (GRCh38, 1-based): chr21:46,324,279, G>C. VCF-style: chr21-46324279-G-C. GRCh37 (hg19) VCF-style: chr21-47744193-G-C.
Other names: c.51G>C (NM_006031.5).
Identifiers: ClinVar variation 2729938 (VCV002729938.6), dbSNP rs772286933, ClinGen allele CA10078095.
Genomic context (GRCh38, chr21:46,324,279, plus strand): 5'-TCTGAGGGAGATGGAAGTTGAGCAAGAGCAGCGGCGCAGAAAGGTGGAGGCCGGGAGGAC[G>C]AAGGTAAACATTAGGGGCTTCTTCTCTAGCTGCTCTGGCGTGAAGTCCTAAGGGCGGCTC-3'
Protein context (NP_006022.3, residues 7-27): QRRRKVEAGR[Thr17=]KLAHFRQRKT